The following is an entry in ClinVar:

ClinVar aggregate classification (germline): Likely benign. Review status: criteria provided, multiple submitters, no conflicts (2 of 4 stars). 2 submissions from 2 submitters: Likely benign (2). Last evaluated 2024-12-01.

Allele frequency attached by ClinVar (database versions not stated): ExAC 0.00137; gnomAD 0.00436; 1000 Genomes Project 30x 0.00515; 1000 Genomes Project 0.00519; TOPMed 0.00519; ESP Exome Variant Server 0.00547.
gnomAD v4.1: 1,274 of 1,604,164 alleles (0.079%); highest among the groups gnomAD compares: African/African-American, 1.5%; 7 homozygotes.

Submissions (2):

CeGaT Center for Human Genetics Tuebingen
Classification: Likely benign. Last evaluated: 2024-12-01. Review status: criteria provided, single submitter. Criteria: CeGaT Center For Human Genetics Tuebingen Variant Classification Criteria Version 2. Collection method: clinical testing. Allele origin: germline. Affected: yes. Observed: 4 variant alleles.
Comment: NTNG2: BP4, BS1

Blueprint Genetics
Classification: Likely benign. Last evaluated: 2024-11-13. Review status: criteria provided, single submitter. Criteria: ACMG Guidelines, 2015. Collection method: clinical testing. Allele origin: germline.

NM_032536.4(NTNG2):c.214-8C>G

Gene: NTNG2 (netrin G2; plus strand). Cytogenetic location: 9q34.13.
Variant type: single nucleotide variant.
Coding change: c.214-8C>G on transcript NM_032536.4 (MANE Select); 8 bases into the intron before coding-DNA position 214, C replaced by G.
Molecular consequence: intron variant.
Genome position (GRCh38, 1-based): chr9:132,197,958, C>G. VCF-style: chr9-132197958-C-G. GRCh37 (hg19) VCF-style: chr9-135073345-C-G.
Identifiers: ClinVar variation 2659640 (VCV002659640.25), dbSNP rs112978044, ClinGen allele CA5295886.